The following is an entry in ClinVar:

ClinVar aggregate classification (germline): Conflicting classifications of pathogenicity. Review status: criteria provided, conflicting classifications (1 of 4 stars). 3 submissions from 3 submitters: Uncertain significance (2); Benign (1). Last evaluated 2024-05-21.

Conditions:
Bethlem myopathy 1A. Also called: Bethlem myopathy 1; MYOPATHY, BENIGN CONGENITAL, WITH CONTRACTURES; Bethlem Muscular Dystrophy. Identifiers: Orphanet 610, MedGen CN029274, MONDO:0024530, OMIM 158810.

Allele frequency attached by ClinVar (database versions not stated): ExAC 0.00002; gnomAD exomes 0.00002; ESP Exome Variant Server 0.00015.
gnomAD v4.1: 41 of 1,614,152 alleles (0.0025%); highest among the groups gnomAD compares: African/African-American, 0.0093%; no homozygotes.

Submissions (3):

Labcorp Genetics (formerly Invitae), Labcorp
Classification: Benign for Bethlem myopathy 1A. Last evaluated: 2024-05-21. Review status: criteria provided, single submitter. Criteria: Invitae Variant Classification Sherloc (09022015). Collection method: clinical testing. Allele origin: germline.

Revvity Omics, Revvity
Classification: Uncertain significance. Last evaluated: 2024-02-19. Review status: criteria provided, single submitter. Criteria: ACMG Guidelines, 2015. Collection method: clinical testing. Allele origin: germline.

GeneDx
Classification: Uncertain significance. Last evaluated: 2021-05-20. Review status: criteria provided, single submitter. Criteria: GeneDx Variant Classification Process June 2021. Collection method: clinical testing. Allele origin: germline. Affected: yes.
Comment: In silico analysis supports that this missense variant has a deleterious effect on protein structure/function; Has not been previously published as pathogenic or benign to our knowledge

NM_004369.4(COL6A3):c.1571A>G (p.Tyr524Cys)

Gene: COL6A3 (collagen type VI alpha 3 chain; minus strand). Cytogenetic location: 2q37.3.
Variant type: single nucleotide variant.
Coding change: c.1571A>G on transcript NM_004369.4 (MANE Select); coding-DNA position 1571, A replaced by G.
Protein change: p.Tyr524Cys; replaces tyrosine 524 with cysteine.
Molecular consequence: missense variant.
Genome position (GRCh38, 1-based): chr2:237,381,241, T>C on the plus strand (A>G on the coding strand, the complement: COL6A3 is on the minus strand). VCF-style: chr2-237381241-T-C. GRCh37 (hg19) VCF-style: chr2-238289884-T-C.
Other names: c.350A>G, p.Tyr117Cys (NM_057164.5, NM_057166.5); c.953A>G, p.Tyr318Cys (NM_057165.5, NM_057167.4); short protein forms Y117C, Y318C, Y524C.
Identifiers: ClinVar variation 1305702 (VCV001305702.7), dbSNP rs147546808, ClinGen allele CA2189593.
Genomic context (GRCh38, chr2:237,381,241, plus strand): 5'-CGGTAGCCGGCTGAACTCGTGAATAGGTTGTTACGAACAAAGTCTAGAGCAGAGCCCGTG[T>C]ACAGGGCCGAGCCGTCCAGGGGCTTCATTTTCCGCACAGCGGTTATGACTTCCCTTTTTG-3'
Protein context (NP_004360.2, residues 514-534): KMKPLDGSAL[Tyr524Cys]TGSALDFVRN